The following is an entry in ClinVar:

ClinVar aggregate classification (germline): Benign/Likely benign. Review status: criteria provided, multiple submitters, no conflicts (2 of 4 stars). 6 submissions from 6 submitters: Benign (1); Likely benign (5). Last evaluated 2025-10-29.

Conditions:
Hereditary cancer-predisposing syndrome. Also called: Tumor predisposition; Neoplastic Syndromes, Hereditary; Hereditary Cancer Syndrome; Hereditary neoplastic syndrome. Identifiers: Orphanet 140162, MedGen C0027672, MeSH D009386, MONDO:0015356.
Birt-Hogg-Dube syndrome 1 (BHD1). Also called: FIBROFOLLICULOMAS WITH TRICHODISCOMAS AND ACROCHORDONS. Identifiers: Orphanet 122, MedGen CN375946, MONDO:0800445, OMIM 135150.
Birt-Hogg-Dube syndrome. Also called: Birt Hogg Dubé syndrome. Identifiers: Orphanet 122, MedGen C0346010, MONDO:0800444.

Allele frequency attached by ClinVar (database versions not stated): gnomAD below 0.00001.
gnomAD v4.1: 41 of 1,614,118 alleles (0.0025%); highest among the groups gnomAD compares: Middle Eastern, 0.049%; no homozygotes.

Submissions (6):

Labcorp Genetics (formerly Invitae), Labcorp
Classification: Likely benign for Birt-Hogg-Dube syndrome. Last evaluated: 2025-10-29. Review status: criteria provided, single submitter. Criteria: Invitae Variant Classification Sherloc (09022015). Collection method: clinical testing. Allele origin: germline.

Myriad Genetics, Inc.
Classification: Benign for Birt-Hogg-Dube syndrome 1. Last evaluated: 2024-10-24. Review status: criteria provided, single submitter. Criteria: Myriad Autosomal Dominant, Autosomal Recessive and X-Linked Classification Criteria (2023). Collection method: clinical testing. Allele origin: unknown.
Comment: This variant is considered benign. This variant is a silent/synonymous amino acid change and it is not expected to impact splicing.

KCCC/NGS Laboratory, Kuwait Cancer Control Center
Classification: Likely benign for Birt-Hogg-Dube syndrome 1. Last evaluated: 2023-07-07. Review status: criteria provided, single submitter. Criteria: ACMG Guidelines, 2015. Collection method: clinical testing. Allele origin: germline. Affected: yes.

Sema4
Classification: Likely benign for Hereditary cancer-predisposing syndrome. Last evaluated: 2021-07-08. Review status: criteria provided, single submitter. Criteria: Sema4 Curation Guidelines. Collection method: curation. Allele origin: germline.

GeneDx
Classification: Likely benign. Last evaluated: 2020-11-02. Review status: criteria provided, single submitter. Criteria: GeneDx Variant Classification Process June 2021. Collection method: clinical testing. Allele origin: germline. Affected: yes.

Ambry Genetics
Classification: Likely benign for Hereditary cancer-predisposing syndrome. Last evaluated: 2017-09-30. Review status: criteria provided, single submitter. Criteria: Ambry Variant Classification Scheme 2023. Collection method: clinical testing. Allele origin: germline.

NM_144997.7(FLCN):c.1350C>T (p.His450=)

Gene: FLCN (folliculin; minus strand). Cytogenetic location: 17p11.2.
Variant type: single nucleotide variant.
Coding change: c.1350C>T on transcript NM_144997.7 (MANE Select); coding-DNA position 1350, C replaced by T.
Protein change: p.His450=; no amino-acid change (histidine 450 retained).
Molecular consequence: synonymous variant.
Genome position (GRCh38, 1-based): chr17:17,215,267, G>A on the plus strand (C>T on the coding strand, the complement: FLCN is on the minus strand). VCF-style: chr17-17215267-G-A. GRCh37 (hg19) VCF-style: chr17-17118581-G-A.
Other names: c.1350C>T (LRG_325t1, NM_144997.6); c.1404C>T, p.His468= (NM_001353229.2); c.1350C>T, p.His450= (NM_001353230.2, NM_001353231.2).
Identifiers: ClinVar variation 415613 (VCV000415613.17), dbSNP rs753685944, ClinGen allele CA8416022.